The following is an entry in ClinVar:

NM_001375765.1(GIGYF1):c.2718C>T (p.Cys906=)

Gene: GIGYF1 (GRB10 interacting GYF protein 1; minus strand). Cytogenetic location: 7q22.1.
Variant type: single nucleotide variant.
Coding change: c.2718C>T on transcript NM_001375765.1 (MANE Select); coding-DNA position 2718, C replaced by T.
Protein change: p.Cys906=; no amino-acid change (cysteine 906 retained).
Molecular consequence: synonymous variant. On other transcripts: non-coding transcript variant (1).
Genome position (GRCh38, 1-based): chr7:100,682,365, G>A on the plus strand (C>T on the coding strand, the complement: GIGYF1 is on the minus strand). VCF-style: chr7-100682365-G-A. GRCh37 (hg19) VCF-style: chr7-100279988-G-A.
Other names: NM_022574.4:c.2718C>T; NC_000007.13:g.100279988G>A; c.2718C>T, p.Cys906= (NM_001375759.1, NM_001375760.1, NM_001375761.1 and 5 more transcripts); c.2715C>T, p.Cys905= (NM_001375768.1).
Identifiers: ClinVar variation 3038257 (VCV003038257.4), dbSNP rs117477530, ClinGen allele CA4387995.

ClinVar aggregate classification (germline): Likely benign. Review status: criteria provided, single submitter (1 of 4 stars). 2 submissions from 2 submitters: Likely benign (1). 1 of the submissions does not count toward it. Last evaluated 2024-11-25.

Conditions:
GIGYF1-related disorder. Also called: GIGYF1-related condition.

Allele frequency attached by ClinVar (database versions not stated): 1000 Genomes Project 0.00120; ExAC 0.00148; 1000 Genomes Project 30x 0.00156; gnomAD 0.00171; TOPMed 0.00193; ESP Exome Variant Server 0.00231.
gnomAD v4.1: 3,523 of 1,613,464 alleles (0.22%); highest among the groups gnomAD compares: Non-Finnish European, 0.27%; 4 homozygotes.

Submissions (4):

Blueprint Genetics
Classification: Likely benign. Last evaluated: 2024-11-25. Review status: criteria provided, single submitter. Criteria: ACMG Guidelines, 2015. Collection method: clinical testing. Allele origin: germline.

PreventionGenetics, part of Exact Sciences
Classification: Likely benign for GIGYF1-related condition. Last evaluated: 2019-05-02. Review status: no assertion criteria provided. Collection method: clinical testing. Allele origin: germline. Not counted in ClinVar's aggregate classification.
Comment: This variant is classified as likely benign based on ACMG/AMP sequence variant interpretation guidelines (Richards et al. 2015 PMID: 25741868, with internal and published modifications).

Dr. Peter K. Rogan Lab, Western University
No classification provided (evidence only). Condition: Clear cell carcinoma of kidney. Review status: no classification provided. Collection method: in vitro. Allele origin: not applicable. Functional consequence: retained intron. Not counted in ClinVar's aggregate classification.

Dr. Peter K. Rogan Lab, Western University
No classification provided (evidence only). Condition: Ovarian serous cystadenocarcinoma. Review status: no classification provided. Collection method: in vitro. Allele origin: not applicable. Functional consequence: retained intron. Not counted in ClinVar's aggregate classification.